The following is an entry in ClinVar:

NM_006009.4(TUBA1A):c.96C>T (p.Pro32=)

Gene: TUBA1A (tubulin alpha 1a; minus strand). Cytogenetic location: 12q13.12.
Variant type: single nucleotide variant.
Coding change: c.96C>T on transcript NM_006009.4 (MANE Select); coding-DNA position 96, C replaced by T.
Protein change: p.Pro32=; no amino-acid change (proline 32 retained).
Molecular consequence: synonymous variant. On other transcripts: 5 prime UTR variant (1).
Genome position (GRCh38, 1-based): chr12:49,186,741, G>A on the plus strand (C>T on the coding strand, the complement: TUBA1A is on the minus strand). VCF-style: chr12-49186741-G-A. GRCh37 (hg19) VCF-style: chr12-49580524-G-A.
Other names: c.96C>T, p.Pro32= (NM_001270399.2); c.-10C>T (NM_001270400.2).
Identifiers: ClinVar variation 160166 (VCV000160166.12), dbSNP rs139102191, ClinGen allele CA213283.
Genomic context (GRCh38, chr12:49,186,741, plus strand): 5'-GAAGGTGTTGAAGGAATCATCTCCTCCCCCAATGGTCTTGTCACTTGGCATCTGGCCATC[G>A]GGCTGGATGCCGTGTTCCAGGCAGTAGAGCTCCCAGCAGGCATTGCCAATCTGGACACCA-3'
Protein context (NP_006000.2, residues 22-42): ELYCLEHGIQ[Pro32=]DGQMPSDKTI

ClinVar aggregate classification (germline): Likely benign. Review status: criteria provided, multiple submitters, no conflicts (2 of 4 stars). 3 submissions from 3 submitters: Likely benign (2). 1 of the submissions does not count toward it. Last evaluated 2025-04-07.

Conditions:
TUBA1A-related disorder. Also called: TUBA1A-related condition.

Allele frequency attached by ClinVar (database versions not stated): gnomAD 0.00011 and 0.00012; 1000 Genomes Project 30x 0.00016; 1000 Genomes Project 0.00020; ExAC 0.00004; gnomAD exomes 0.00006; TOPMed 0.00009; ESP Exome Variant Server 0.00023.
gnomAD v4.1: 65 of 1,614,170 alleles (0.004%); highest among the groups gnomAD compares: Admixed American, 0.032%; no homozygotes.

Submissions (3):

Labcorp Genetics (formerly Invitae), Labcorp
Classification: Likely benign. Last evaluated: 2025-04-07. Review status: criteria provided, single submitter. Criteria: Invitae Variant Classification Sherloc (09022015). Collection method: clinical testing. Allele origin: germline.

Genetic Services Laboratory, University of Chicago
Classification: Likely benign. Last evaluated: 2018-06-04. Review status: criteria provided, single submitter. Criteria: ACMG Guidelines, 2015. Collection method: clinical testing. Allele origin: germline. Affected: no.

PreventionGenetics, part of Exact Sciences
Classification: Likely benign for TUBA1A-related condition. Last evaluated: 2024-08-09. Review status: no assertion criteria provided. Collection method: clinical testing. Allele origin: germline. Not counted in ClinVar's aggregate classification.
Comment: This variant is classified as likely benign based on ACMG/AMP sequence variant interpretation guidelines (Richards et al. 2015 PMID: 25741868, with internal and published modifications).